The following is an entry in ClinVar:

ClinVar aggregate classification (germline): Likely pathogenic. Review status: reviewed by expert panel (3 of 4 stars). 2 submissions from 2 submitters: Likely pathogenic (1). 1 of the submissions does not count toward it. Last evaluated 2023-03-27.

Conditions:
Very long chain acyl-CoA dehydrogenase deficiency (ACADVLD). Also called: VLCAD Deficiency; Very Long-Chain Acyl-Coenzyme A Dehydrogenase Deficiency. Identifiers: Orphanet 26793, MedGen C3887523, MONDO:0008723, OMIM 201475.

Submissions (2):

ClinGen ACADVL Variant Curation Expert Panel, ClinGen
Classification: Likely pathogenic for Very long chain acyl-CoA dehydrogenase deficiency. Last evaluated: 2023-03-27. Review status: reviewed by expert panel. Criteria: clingen acadvl acmg specifications v1. Collection method: curation. Allele origin: germline. Inheritance: Autosomal recessive inheritance.
Comment: The NM_000018.4(ACADVL): c.1730_1740del (p.Ala577Glyfs*11) variant in ACADVL is a frameshift variant predicted to cause a premature stop codon in biologically-relevant-exon 18 leading to nonsense mediated decay in a gene in which loss-of-function is an established disease mechanism (PVS1; PMIDs 9973285, 11590124). This variant is absent from gnomAD v2.1.1 (PM2_Supporting). In summary, this variant meets the criteria to be classified as likely pathogenic for autosomal recessive very long chain acyl-CoA dehydrogenase (VLCAD) deficiency based on the ACMG/AMP criteria applied, as specified by the ClinGen ACADVL Variant Curation Expert Panel: PVS1, PM2_Supporting.

GeneDx
Classification: Pathogenic. Last evaluated: 2016-11-23. Review status: criteria provided, single submitter. Criteria: GeneDx Variant Classification (06012015). Collection method: clinical testing. Allele origin: germline. Affected: yes. Not counted in ClinVar's aggregate classification.
Comment: The c.1730_1740del11 pathogenic variant in the ACADVL gene causes a frameshift starting with codon Alanine 577, changes this amino acid to a Glycine residue and creates a premature Stop codon at position 11 of the new reading frame, denoted p.Ala577GlyfsX11. This pathogenic variant is predicted to cause loss of normal protein function either through protein truncation or nonsense-mediated mRNA decay. Although this variant has not been previously reported to our knowledge, it is predicted to be a pathogenic variant.

NM_000018.4(ACADVL):c.1730_1740del (p.Ala577fs)

Gene: ACADVL (acyl-CoA dehydrogenase very long chain; plus strand). Cytogenetic location: 17p13.1.
Variant type: Deletion.
Coding change: c.1730_1740del on transcript NM_000018.4 (MANE Select); coding-DNA positions 1730 to 1740, 11 bases deleted (CCATGGTGGTG).
Protein change: p.Ala577fs; shifts the reading frame from alanine 577.
Molecular consequence: frameshift variant.
Genome position (GRCh38, 1-based): chr17:7,224,693-7,224,703, CCATGGTGGTG deleted; deleting any 11 consecutive bases within chr17:7,224,691-7,224,703 gives the same sequence; the c. name uses the placement nearest the transcript's 3' end. VCF-style (leftmost placement, unchanged base first): chr17-7224690-ATGCCATGGTGG-A. GRCh37 (hg19) VCF-style: chr17-7128009-ATGCCATGGTGG-A.
Other names: NM_000018.4(ACADVL):c.1730_1740del; p.Ala577fs; c.1664_1674del, p.Ala555fs (NM_001033859.3); c.1799_1809del, p.Ala600fs (NM_001270447.2); c.1502_1512del, p.Ala501fs (NM_001270448.2); short protein forms A555fs, A501fs, A600fs, A577fs.
Identifiers: ClinVar variation 373427 (VCV000373427.3), dbSNP rs1057518411, ClinGen allele CA16043045.